The following is an entry in ClinVar:

ClinVar aggregate classification (germline): Conflicting classifications of pathogenicity. Review status: criteria provided, conflicting classifications (1 of 4 stars). 2 submissions from 1 submitter: Uncertain significance (1); Benign (1). Last evaluated 2018-01-13.

Conditions:
Autosomal recessive ataxia, Beauce type. Also called: SYNE1 Deficiency; SYNE1-Related Autosomal Recessive Cerebellar Ataxia; Spinocerebellar ataxia, autosomal recessive 8; ATAXIA, RECESSIVE, OF BEAUCE. Identifiers: Orphanet 88644, MedGen C1853116, MONDO:0012549, OMIM 610743.
Emery-Dreifuss muscular dystrophy 4, autosomal dominant (EDMD4). Also called: EMERY-DREIFUSS MUSCULAR DYSTROPHY 4 WITH VARIABLE FEATURES. Identifiers: Orphanet 261, MedGen C2751807, MONDO:0013071, OMIM 612998.

Allele frequency attached by ClinVar (database versions not stated): ExAC 0.00002; gnomAD 0.00002 and 0.00003; gnomAD exomes 0.00002; TOPMed 0.00002.
gnomAD v4.1: 134 of 1,613,032 alleles (0.0083%); highest among the groups gnomAD compares: East Asian, 0.3%; no homozygotes.

Submissions (2):

Illumina Laboratory Services, Illumina
Classification: Uncertain significance for Autosomal recessive ataxia, Beauce type. Last evaluated: 2018-01-13. Review status: criteria provided, single submitter. Criteria: ICSL Variant Classification Criteria 13 December 2019. Collection method: clinical testing. Allele origin: germline.

Illumina Laboratory Services, Illumina
Classification: Benign for Emery-Dreifuss muscular dystrophy 4, autosomal dominant. Last evaluated: 2018-01-13. Review status: criteria provided, single submitter. Criteria: ICSL Variant Classification Criteria 13 December 2019. Collection method: clinical testing. Allele origin: germline.
Comment: This variant was observed in the ICSL laboratory as part of a predisposition screen in an ostensibly healthy population. It had not been previously curated by ICSL or reported in the Human Gene Mutation Database (HGMD: prior to June 1st, 2018), and was therefore a candidate for classification through an automated scoring system. Utilizing variant allele frequency, disease prevalence and penetrance estimates, and inheritance mode, an automated score was calculated to assess if this variant is too frequent to cause the disease. Based on the score and internal cut-off values, a variant classified as benign is not then subjected to further curation. The score for this variant resulted in a classification of benign for this disease.

NM_182961.4(SYNE1):c.17683-11T>C

Gene: SYNE1 (spectrin repeat containing nuclear envelope protein 1; minus strand). Cytogenetic location: 6q25.2.
Variant type: single nucleotide variant.
Coding change: c.17683-11T>C on transcript NM_182961.4 (MANE Select); 11 bases into the intron before coding-DNA position 17683, T replaced by C.
Molecular consequence: intron variant.
Genome position (GRCh38, 1-based): chr6:152,294,138, A>G on the plus strand (T>C on the coding strand, the complement: SYNE1 is on the minus strand). VCF-style: chr6-152294138-A-G. GRCh37 (hg19) VCF-style: chr6-152615273-A-G.
Other names: c.17470-11T>C (NM_033071.5).
Identifiers: ClinVar variation 355853 (VCV000355853.5), dbSNP rs759219567, ClinGen allele CA4055147.
Genomic context (GRCh38, chr6:152,294,138, plus strand): 5'-GCATCTGTCTGCAACCTCTCAGCAGACAAGGCTTGGTAATATGCAATGTCCTGTGAGTGC[A>G]AAGCACAGTATTGAATTAAACAAAAAGACAAAGTCTAGATTAATATGCTCTGGGTACTGT-3'